The following is an entry in ClinVar:

ClinVar aggregate classification (germline): Uncertain significance (1 of 4 stars; one submission).

Conditions:
Hereditary hyperekplexia. Identifiers: Orphanet 3197, MedGen C4084968, MONDO:0021022.

Submission:

Labcorp Genetics (formerly Invitae), Labcorp
Classification: Uncertain significance for Hereditary hyperekplexia. Last evaluated: 2020-03-23. Review status: criteria provided, single submitter. Criteria: Invitae Variant Classification Sherloc (09022015). Collection method: clinical testing. Allele origin: germline.
Comment: In summary, the available evidence is currently insufficient to determine the role of this variant in disease. Therefore, it has been classified as a Variant of Uncertain Significance. Experimental studies and prediction algorithms are not available or were not evaluated, and the functional significance of this variant is currently unknown. This variant has not been reported in the literature in individuals with GLRA1-related conditions. This variant is not present in population databases (ExAC no frequency). This sequence change affects the initiator methionine of the GLRA1 mRNA. The next in-frame methionine is located at codon 36.

NM_000171.4(GLRA1):c.3G>T (p.Met1Ile)

Gene: GLRA1 (glycine receptor alpha 1; minus strand). Cytogenetic location: 5q33.1.
Variant type: single nucleotide variant.
Coding change: c.3G>T on transcript NM_000171.4 (MANE Select); coding-DNA position 3, G replaced by T.
Protein change: p.Met1Ile; changes the start codon (methionine 1).
Molecular consequence: missense variant, initiator codon variant. On other transcripts: 5 prime UTR variant (1).
Genome position (GRCh38, 1-based): chr5:151,924,547, C>A on the plus strand (G>T on the coding strand, the complement: GLRA1 is on the minus strand). VCF-style: chr5-151924547-C-A. GRCh37 (hg19) VCF-style: chr5-151304108-C-A.
Other names: c.3G>T, p.Met1Ile (NM_001146040.2); c.-119G>T (NM_001292000.2); short protein forms M1I.
Identifiers: ClinVar variation 1063352 (VCV001063352.9), dbSNP rs1174467547, ClinGen allele CA361900041.